The following is an entry in ClinVar:

NM_000183.3(HADHB):c.355-12T>C

Gene: HADHB (hydroxyacyl-CoA dehydrogenase trifunctional multienzyme complex subunit beta; plus strand). Cytogenetic location: 2p23.3.
Variant type: single nucleotide variant.
Coding change: c.355-12T>C on transcript NM_000183.3 (MANE Select); 12 bases into the intron before coding-DNA position 355, T replaced by C.
Molecular consequence: intron variant.
Genome position (GRCh38, 1-based): chr2:26,277,061, T>C. VCF-style: chr2-26277061-T-C. GRCh37 (hg19) VCF-style: chr2-26499929-T-C.
Other names: c.289-12T>C (NM_001281513.2); c.310-12T>C (NM_001281512.2).
Identifiers: ClinVar variation 1950666 (VCV001950666.5), dbSNP rs1211359127, ClinGen allele CA531393939.

ClinVar aggregate classification (germline): Uncertain significance (1 of 4 stars; one submission).

Conditions:
Mitochondrial trifunctional protein deficiency. Identifiers: Orphanet 746, MedGen C1969443, MONDO:0012172.

Submission:

Labcorp Genetics (formerly Invitae), Labcorp
Classification: Uncertain significance for Mitochondrial trifunctional protein deficiency. Last evaluated: 2022-11-08. Review status: criteria provided, single submitter. Criteria: Invitae Variant Classification Sherloc (09022015). Collection method: clinical testing. Allele origin: germline.
Comment: In summary, the available evidence is currently insufficient to determine the role of this variant in disease. Therefore, it has been classified as a Variant of Uncertain Significance. Algorithms developed to predict the effect of sequence changes on RNA splicing suggest that this variant may create or strengthen a splice site. This variant has not been reported in the literature in individuals affected with HADHB-related conditions. This variant is present in population databases (no rsID available, gnomAD 0.0009%). This sequence change falls in intron 6 of the HADHB gene. It does not directly change the encoded amino acid sequence of the HADHB protein.